The following is an entry in ClinVar:

NM_016035.5(COQ4):c.445G>C (p.Asp149His)

Gene: COQ4 (coenzyme Q4; plus strand). Cytogenetic location: 9q34.11.
Variant type: single nucleotide variant.
Coding change: c.445G>C on transcript NM_016035.5 (MANE Select); coding-DNA position 445, G replaced by C.
Protein change: p.Asp149His; replaces aspartic acid 149 with histidine.
Molecular consequence: missense variant. On other transcripts: intron variant (1).
Genome position (GRCh38, 1-based): chr9:128,332,195, G>C. VCF-style: chr9-128332195-G-C. GRCh37 (hg19) VCF-style: chr9-131094474-G-C.
Other names: c.3-1279G>C (NM_001305942.2); short protein forms D149H.
Identifiers: ClinVar variation 567964 (VCV000567964.4), dbSNP rs138560167, ClinGen allele CA5260579.

ClinVar aggregate classification (germline): Uncertain significance (1 of 4 stars; one submission).

Conditions:
Neonatal encephalomyopathy-cardiomyopathy-respiratory distress syndrome. Also called: Coenzyme Q10 deficiency, primary, 7. Identifiers: Orphanet 457185, MedGen C5568562, MONDO:0014562, OMIM 616276.

Allele frequency attached by ClinVar (database versions not stated): gnomAD 0.00005 and 0.00006; TOPMed 0.00005; ESP Exome Variant Server 0.00008.
gnomAD v4.1: 54 of 1,605,632 alleles (0.0034%); highest among the groups gnomAD compares: African/African-American, 0.0067%; no homozygotes.

Submission:

Labcorp Genetics (formerly Invitae), Labcorp
Classification: Uncertain significance for Neonatal encephalomyopathy-cardiomyopathy-respiratory distress syndrome. Last evaluated: 2021-12-18. Review status: criteria provided, single submitter. Criteria: Invitae Variant Classification Sherloc (09022015). Collection method: clinical testing. Allele origin: germline.
Comment: This sequence change replaces aspartic acid, which is acidic and polar, with histidine, which is basic and polar, at codon 149 of the COQ4 protein (p.Asp149His). This variant is present in population databases (rs138560167, gnomAD 0.005%). This variant has not been reported in the literature in individuals affected with COQ4-related conditions. ClinVar contains an entry for this variant (Variation ID: 567964). Algorithms developed to predict the effect of missense changes on protein structure and function (SIFT, PolyPhen-2, Align-GVGD) all suggest that this variant is likely to be disruptive. In summary, the available evidence is currently insufficient to determine the role of this variant in disease. Therefore, it has been classified as a Variant of Uncertain Significance.